The following is an entry in ClinVar:

ClinVar aggregate classification (germline): Conflicting classifications of pathogenicity. Review status: criteria provided, conflicting classifications (1 of 4 stars). 4 submissions from 4 submitters: Uncertain significance (2); Likely benign (2). Last evaluated 2026-03-02.

Conditions:
Cardiovascular phenotype. Identifiers: MedGen CN230736.
Hypertrophic cardiomyopathy. Also called: HYPERTROPHIC MYOCARDIOPATHY. Identifiers: Orphanet 217569, MedGen C0007194, MeSH D002312, MONDO:0005045, HP:0001639.
Cardiomyopathy (CMYO). Also called: Cardiomyopathies. Identifiers: Orphanet 167848, MedGen C0878544, MONDO:0004994, HP:0001638. Inheritance: Various modes of inheritance.

Submissions (4):

Ambry Genetics
Classification: Uncertain significance for Cardiovascular phenotype. Last evaluated: 2026-03-02. Review status: criteria provided, single submitter. Criteria: Ambry Variant Classification Scheme 2023. Collection method: clinical testing. Allele origin: germline.
Comment: The c.4170G>A variant (also known as p.K1390K), located in coding exon 29 of the MYH7 gene, results from a G to A substitution at nucleotide position 4170. This nucleotide substitution does not change the amino acid at codon 1390. This nucleotide position is well conserved in available vertebrate species. In silico splice site analysis for this alteration is inconclusive. Based on the available evidence, the clinical significance of this variant remains unclear.

Labcorp Genetics (formerly Invitae), Labcorp
Classification: Likely benign for Hypertrophic cardiomyopathy. Last evaluated: 2025-07-16. Review status: criteria provided, single submitter. Criteria: Invitae Variant Classification Sherloc (09022015). Collection method: clinical testing. Allele origin: germline.

Revvity Omics, Revvity
Classification: Uncertain significance. Last evaluated: 2023-03-15. Review status: criteria provided, single submitter. Criteria: ACMG Guidelines, 2015. Collection method: clinical testing. Allele origin: germline.

Color Diagnostics, LLC DBA Color Health
Classification: Likely benign for Cardiomyopathy. Last evaluated: 2020-04-13. Review status: criteria provided, single submitter. Criteria: ACMG Guidelines, 2015. Collection method: clinical testing. Allele origin: germline.

NM_000257.4(MYH7):c.4170G>A (p.Lys1390=)

Gene: MYH7 (myosin heavy chain 7; minus strand). Cytogenetic location: 14q11.2.
Variant type: single nucleotide variant.
Coding change: c.4170G>A on transcript NM_000257.4 (MANE Select); coding-DNA position 4170, G replaced by A.
Protein change: p.Lys1390=; no amino-acid change (lysine 1390 retained).
Molecular consequence: synonymous variant.
Genome position (GRCh38, 1-based): chr14:23,417,686, C>T on the plus strand (G>A on the coding strand, the complement: MYH7 is on the minus strand). VCF-style: chr14-23417686-C-T. GRCh37 (hg19) VCF-style: chr14-23886895-C-T.
Identifiers: ClinVar variation 924253 (VCV000924253.13), dbSNP rs1892281118, ClinGen allele CA485617952.